The following is an entry in ClinVar:

ClinVar aggregate classification (germline): Likely pathogenic (1 of 4 stars; one submission).

Conditions:
Frontotemporal dementia and/or amyotrophic lateral sclerosis 4. Also called: FTDALS4. Identifiers: Orphanet 275872, MedGen C4225325, MONDO:0014641, OMIM 616439.

Submission:

Human Genetics Bochum, Ruhr University Bochum
Classification: Likely pathogenic for Frontotemporal dementia and/or amyotrophic lateral sclerosis 4. Last evaluated: 2025-01-22. Review status: criteria provided, single submitter. Criteria: ACMG Guidelines, 2015. Collection method: clinical testing. Allele origin: germline. Affected: yes.
Comment: ACMG criteria used to clasify this variant: PVS1, PM2_SUP

NM_013254.4(TBK1):c.1521+1G>A

Gene: TBK1 (TANK binding kinase 1; plus strand). Cytogenetic location: 12q14.2.
Variant type: single nucleotide variant.
Coding change: c.1521+1G>A on transcript NM_013254.4 (MANE Select); the canonical splice donor site of the intron after coding-DNA position 1521, G replaced by A.
Molecular consequence: splice donor variant.
Genome position (GRCh38, 1-based): chr12:64,490,120, G>A. VCF-style: chr12-64490120-G-A. GRCh37 (hg19) VCF-style: chr12-64883900-G-A.
Identifiers: ClinVar variation 4688020 (VCV004688020.1).